The following is an entry in ClinVar:

NM_001009944.3(PKD1):c.332T>G (p.Phe111Cys)

Gene: PKD1 (polycystin 1, transient receptor potential channel interacting; minus strand). Cytogenetic location: 16p13.3.
Variant type: single nucleotide variant.
Coding change: c.332T>G on transcript NM_001009944.3 (MANE Select); coding-DNA position 332, T replaced by G.
Protein change: p.Phe111Cys; replaces phenylalanine 111 with cysteine.
Molecular consequence: missense variant.
Genome position (GRCh38, 1-based): chr16:2,119,141, A>C on the plus strand (T>G on the coding strand, the complement: PKD1 is on the minus strand). VCF-style: chr16-2119141-A-C. GRCh37 (hg19) VCF-style: chr16-2169142-A-C.
Other names: c.332T>G, p.Phe111Cys (NM_000296.4); short protein forms F111C.
Identifiers: ClinVar variation 5008986 (VCV005008986.1).

ClinVar aggregate classification (germline): Uncertain significance (1 of 4 stars; one submission).

Submission:

GeneDx
Classification: Uncertain significance. Last evaluated: 2026-03-18. Review status: criteria provided, single submitter. Criteria: GeneDx Variant Classification Process June 2021. Collection method: clinical testing. Allele origin: germline.
Comment: Not observed at significant frequency in large population cohorts (gnomAD); In silico analysis suggests that this missense variant does not alter protein structure/function; Has not been previously published as pathogenic or benign to our knowledge